The following is an entry in ClinVar:

ClinVar aggregate classification (germline): Benign. Review status: criteria provided, multiple submitters, no conflicts (2 of 4 stars). 3 submissions from 3 submitters: Benign (3). Last evaluated 2024-01-24.

Allele frequency attached by ClinVar (database versions not stated): 1000 Genomes Project 0.13738; 1000 Genomes Project 30x 0.13866; gnomAD exomes 0.15638 and 0.16118; ExAC 0.15656; ESP Exome Variant Server 0.16446; TOPMed 0.16464; gnomAD 0.17115 and 0.17382.
gnomAD v4.1: 259,972 of 1,604,200 alleles (16%); highest among the groups gnomAD compares: Middle Eastern, 22%; 22,374 homozygotes.

Submissions (3):

Unidad de Genómica Garrahan, Hospital de Pediatría Garrahan
Classification: Benign. Last evaluated: 2024-01-24. Review status: criteria provided, single submitter. Criteria: ACMG Guidelines, 2015. Collection method: clinical testing. Allele origin: germline. Affected: no. Observed: 28 variant alleles.
Comment: This variant is classified as Benign based on local population frequency. This variant was detected in 29% of patients studied by a panel of primary immunodeficiencies. Number of patients: 28. Only high quality variants are reported.

GeneDx
Classification: Benign. Last evaluated: 2018-07-09. Review status: criteria provided, single submitter. Criteria: GeneDx Variant Classification Process June 2021. Collection method: clinical testing. Allele origin: germline. Affected: yes.

Breakthrough Genomics
Classification: Benign. Review status: criteria provided, single submitter. Criteria: ACMG Guidelines, 2015. Collection method: not provided. Allele origin: germline. Inheritance: Autosomal recessive inheritance. Affected: yes.

NM_020458.4(TTC7A):c.1001+40A>G

Gene: TTC7A (tetratricopeptide repeat domain 7A; plus strand). Cytogenetic location: 2p21.
Variant type: single nucleotide variant.
Coding change: c.1001+40A>G on transcript NM_020458.4 (MANE Select); 40 bases into the intron after coding-DNA position 1001, A replaced by G.
Molecular consequence: intron variant.
Genome position (GRCh38, 1-based): chr2:46,994,554, A>G. VCF-style: chr2-46994554-A-G. GRCh37 (hg19) VCF-style: chr2-47221693-A-G.
Other names: c.899+40A>G (NM_001288953.2); c.1001+40A>G (NM_001288951.2); c.-61-582A>G (NM_001288955.2).
Identifiers: ClinVar variation 1280089 (VCV001280089.4), dbSNP rs7576915, ClinGen allele CA1647435.